The following is an entry in ClinVar:

ClinVar aggregate classification (germline): Likely benign. Review status: criteria provided, multiple submitters, no conflicts (2 of 4 stars). 5 submissions from 5 submitters: Likely benign (5). Last evaluated 2026-06-01.

Conditions:
CEACAM16-related disorder. Also called: CEACAM16-related condition.

Allele frequency attached by ClinVar (database versions not stated): ExAC 0.00004; gnomAD 0.00004; gnomAD exomes 0.00005 and 0.00006; TOPMed 0.00007.
gnomAD v4.1: 85 of 1,613,722 alleles (0.0053%); highest among the groups gnomAD compares: South Asian, 0.0077%; no homozygotes.

Submissions (5):

PreventionGenetics, part of Exact Sciences
Classification: Likely benign for CEACAM16-related condition. Last evaluated: 2026-06-01. Review status: criteria provided, single submitter. Criteria: ACMG Guidelines, 2015. Collection method: clinical testing. Allele origin: germline.
Comment: This variant is classified as likely benign based on ACMG/AMP sequence variant interpretation guidelines (Richards et al. 2015 PMID: 25741868, with internal and published modifications).

Blueprint Genetics
Classification: Likely benign. Last evaluated: 2023-09-08. Review status: criteria provided, single submitter. Criteria: ACMG Guidelines, 2015. Collection method: clinical testing. Allele origin: germline.

CeGaT Center for Human Genetics Tuebingen
Classification: Likely benign. Last evaluated: 2022-07-01. Review status: criteria provided, single submitter. Criteria: CeGaT Center For Human Genetics Tuebingen Variant Classification Criteria Version 2. Collection method: clinical testing. Allele origin: germline. Affected: yes. Observed: 1 variant allele.
Comment: CEACAM16: BP4, BP7

Labcorp Genetics (formerly Invitae), Labcorp
Classification: Likely benign. Last evaluated: 2022-06-14. Review status: criteria provided, single submitter. Criteria: Invitae Variant Classification Sherloc (09022015). Collection method: clinical testing. Allele origin: germline.

GeneDx
Classification: Likely benign. Last evaluated: 2021-05-06. Review status: criteria provided, single submitter. Criteria: GeneDx Variant Classification Process June 2021. Collection method: clinical testing. Allele origin: germline. Affected: yes.

NM_001039213.4(CEACAM16):c.108C>T (p.Asn36=)

Genes: CEACAM16 (CEA cell adhesion molecule 16, tectorial membrane component; plus strand), CEACAM16-AS1 (CEACAM16, CEACAM19 and PVR antisense RNA 1; minus strand). Cytogenetic location: 19q13.32.
Variant type: single nucleotide variant.
Coding change: c.108C>T on transcript NM_001039213.4 (MANE Select); coding-DNA position 108, C replaced by T.
Protein change: p.Asn36=; no amino-acid change (asparagine 36 retained).
Molecular consequence: synonymous variant.
Genome position (GRCh38, 1-based): chr19:44,703,419, C>T. VCF-style: chr19-44703419-C-T. GRCh37 (hg19) VCF-style: chr19-45206689-C-T.
Identifiers: ClinVar variation 1197447 (VCV001197447.33), dbSNP rs201786853, ClinGen allele CA9502953.
Genomic context (GRCh38, chr19:44,703,419, plus strand): 5'-GAATGTGGGGGCCGAGATCTCTATCACCCTGGAGCCTGCCCAGCCGAGCGAAGGGGACAA[C>T]GTCACGCTGGTCGTCCATGGGCTTTCGGGGGAACTGCTCGCCTACAGCTGGTATGCGGGG-3'
Protein context (NP_001034302.2, residues 26-46): LEPAQPSEGD[Asn36=]VTLVVHGLSG